The following is an entry in ClinVar:

ClinVar aggregate classification (germline): Conflicting classifications of pathogenicity. Review status: criteria provided, conflicting classifications (1 of 4 stars). 10 submissions from 10 submitters: Likely pathogenic (1); Uncertain significance (7); Likely benign (2). Last evaluated 2026-01-04.

Conditions:
Inborn genetic diseases. Identifiers: MedGen C0950123, MeSH D030342.
Charcot-Marie-Tooth disease. Also called: Charcot-Marie-Tooth Neuropathy; Charcot-Marie-Tooth Hereditary Neuropathy. Identifiers: Orphanet 166, MedGen C0007959, MONDO:0015626.
Charcot-Marie-Tooth disease axonal type 2F (CMT2F). Also called: CHARCOT-MARIE-TOOTH DISEASE, NEURONAL, TYPE 2F; Charcot-Marie-Tooth Neuropathy Type 2F. Identifiers: Orphanet 99940, MedGen C1847823, MONDO:0011687, OMIM 606595.
HSPB1-related disorder. Also called: HSPB1-related disorders; HSPB1-related condition.

Allele frequency attached by ClinVar (database versions not stated): gnomAD 0.00003; ExAC 0.00004; gnomAD exomes 0.00006 and 0.00016; ESP Exome Variant Server 0.00015; 1000 Genomes Project 30x 0.00016; 1000 Genomes Project 0.00020.
gnomAD v4.1: 256 of 1,609,780 alleles (0.016%); highest among the groups gnomAD compares: Non-Finnish European, 0.02%; no homozygotes.

Submissions (10):

Labcorp Genetics (formerly Invitae), Labcorp
Classification: Likely pathogenic for Charcot-Marie-Tooth disease axonal type 2F. Last evaluated: 2026-01-04. Review status: criteria provided, single submitter. Criteria: Invitae Variant Classification Sherloc (09022015). Collection method: clinical testing. Allele origin: germline.
Comment: This sequence change replaces histidine, which is basic and polar, with glutamine, which is neutral and polar, at codon 124 of the HSPB1 protein (p.His124Gln). This variant is present in population databases (rs145243219, gnomAD 0.01%). This missense change has been observed in individuals with clinical features of autosomal dominant Charcot-Marie-Tooth disease and/or distal hereditary motor neuropathy (PMID: 32376792; internal data). ClinVar contains an entry for this variant (Variation ID: 465273). Invitae Evidence Modeling of protein sequence and biophysical properties (such as structural, functional, and spatial information, amino acid conservation, physicochemical variation, residue mobility, and thermodynamic stability) has been performed for this missense variant. However, the output from this modeling did not meet the statistical confidence thresholds required to predict the impact of this variant on HSPB1 protein function. In summary, the currently available evidence indicates that the variant is pathogenic, but additional data are needed to prove that conclusively. Therefore, this variant has been classified as Likely Pathogenic.

PreventionGenetics, part of Exact Sciences
Classification: Uncertain significance for HSPB1-related condition. Last evaluated: 2025-11-05. Review status: criteria provided, single submitter. Criteria: ACMG Guidelines, 2015. Collection method: clinical testing. Allele origin: germline.
Comment: The HSPB1 c.372C>G variant is predicted to result in the amino acid substitution p.His124Gln. This variant was reported as a variant of uncertain significance in an individual from a large cohort study of Charcot-Marie-Tooth disease; however, additional evidence was not provided (Volodarsky et al. 2021. PubMed ID: 32376792). This variant is reported in 0.010% of alleles in individuals of European (non-Finnish) descent in gnomAD. At this time, the clinical significance of this variant is uncertain due to the absence of conclusive functional and genetic evidence.

Mayo Clinic Laboratories, Mayo Clinic
Classification: Likely benign. Last evaluated: 2025-07-30. Review status: criteria provided, single submitter. Criteria: ACMG Guidelines, 2015. Collection method: clinical testing. Allele origin: germline. Observed: 2 variant alleles.
Comment: BS2, BP5, PP3

Blueprint Genetics
Classification: Uncertain significance. Last evaluated: 2024-08-02. Review status: criteria provided, single submitter. Criteria: ACMG Guidelines, 2015. Collection method: clinical testing. Allele origin: germline.

CeGaT Center for Human Genetics Tuebingen
Classification: Uncertain significance. Last evaluated: 2022-07-01. Review status: criteria provided, single submitter. Criteria: CeGaT Center For Human Genetics Tuebingen Variant Classification Criteria Version 2. Collection method: clinical testing. Allele origin: germline. Affected: yes. Observed: 1 variant allele.
Comment: HSPB1: PM1, PP3, PP4

MGZ Medical Genetics Center
Classification: Uncertain significance for Charcot-Marie-Tooth disease axonal type 2F. Last evaluated: 2022-03-21. Review status: criteria provided, single submitter. Criteria: ACMG Guidelines, 2015. Collection method: clinical testing. Allele origin: germline. Affected: yes. Observed: 1 variant allele.
Comment: ACMG criteria applied: PM2_SUP, PP3

GeneDx
Classification: Uncertain significance. Last evaluated: 2022-02-09. Review status: criteria provided, single submitter. Criteria: GeneDx Variant Classification Process June 2021. Collection method: clinical testing. Allele origin: germline. Affected: yes.
Comment: Reported as a variant of uncertain significance in two patients with Charcot-Marie-Tooth disease in published literature (Volodarsky et al., 2021); In silico analysis supports that this missense variant has a deleterious effect on protein structure/function; This variant is associated with the following publications: (PMID: 32376792)

Ambry Genetics
Classification: Likely benign for Inborn genetic diseases. Last evaluated: 2021-08-18. Review status: criteria provided, single submitter. Criteria: Ambry Variant Classification Scheme 2023. Collection method: clinical testing. Allele origin: germline.

Athena Diagnostics
Classification: Uncertain significance. Last evaluated: 2018-01-25. Review status: criteria provided, single submitter. Criteria: Athena Diagnostics Criteria. Collection method: clinical testing. Allele origin: germline.

Molecular Genetics Laboratory, London Health Sciences Centre
Classification: Uncertain significance for Charcot-Marie-Tooth disease. Review status: criteria provided, single submitter. Criteria: ACMG Guidelines, 2015. Collection method: clinical testing. Allele origin: germline. Affected: yes.

Literature cited by the submitters: PubMed 32376792 (cited by Labcorp Genetics (formerly Invitae), Labcorp and Mayo Clinic Laboratories, Mayo Clinic).

NM_001540.5(HSPB1):c.372C>G (p.His124Gln)

Gene: HSPB1 (heat shock protein family B (small) member 1; plus strand). Cytogenetic location: 7q11.23.
Variant type: single nucleotide variant.
Coding change: c.372C>G on transcript NM_001540.5 (MANE Select); coding-DNA position 372, C replaced by G.
Protein change: p.His124Gln; replaces histidine 124 with glutamine.
Molecular consequence: missense variant.
Genome position (GRCh38, 1-based): chr7:76,303,809, C>G. VCF-style: chr7-76303809-C-G. GRCh37 (hg19) VCF-style: chr7-75933126-C-G.
Other names: p.His124Gln; c.372C>G (LRG_248t1); short protein forms H124Q.
Identifiers: ClinVar variation 465273 (VCV000465273.53), dbSNP rs145243219, ClinGen allele CA4306366.